The following is an entry in ClinVar:

NM_022835.3(PLEKHG2):c.1115G>A (p.Arg372Gln)

Gene: PLEKHG2 (pleckstrin homology and RhoGEF domain containing G2; plus strand). Cytogenetic location: 19q13.2.
Variant type: single nucleotide variant.
Coding change: c.1115G>A on transcript NM_022835.3 (MANE Select); coding-DNA position 1115, G replaced by A.
Protein change: p.Arg372Gln; replaces arginine 372 with glutamine.
Molecular consequence: missense variant.
Genome position (GRCh38, 1-based): chr19:39,418,765, G>A. VCF-style: chr19-39418765-G-A. GRCh37 (hg19) VCF-style: chr19-39909405-G-A.
Other names: c.938G>A, p.Arg313Gln (NM_001351693.2); c.1115G>A, p.Arg372Gln (NM_001351694.2); short protein forms R313Q, R372Q.
Identifiers: ClinVar variation 1387197 (VCV001387197.6), dbSNP rs940890118, ClinGen allele CA308242168.

ClinVar aggregate classification (germline): Uncertain significance (1 of 4 stars; one submission).

Allele frequency attached by ClinVar (database versions not stated): gnomAD exomes below 0.00001; gnomAD 0.00001; TOPMed 0.00002.

Submission:

Labcorp Genetics (formerly Invitae), Labcorp
Classification: Uncertain significance. Last evaluated: 2023-06-29. Review status: criteria provided, single submitter. Criteria: Invitae Variant Classification Sherloc (09022015). Collection method: clinical testing. Allele origin: germline.
Comment: In summary, the available evidence is currently insufficient to determine the role of this variant in disease. Therefore, it has been classified as a Variant of Uncertain Significance. This sequence change replaces arginine, which is basic and polar, with glutamine, which is neutral and polar, at codon 372 of the PLEKHG2 protein (p.Arg372Gln). This variant is present in population databases (no rsID available, gnomAD 0.0009%). This variant has not been reported in the literature in individuals affected with PLEKHG2-related conditions. ClinVar contains an entry for this variant (Variation ID: 1387197). An algorithm developed to predict the effect of missense changes on protein structure and function (PolyPhen-2) suggests that this variant is likely to be disruptive.